The following is an entry in ClinVar:

NM_194454.3(KRIT1):c.418C>T (p.Arg140Ter)

Gene: KRIT1 (KRIT1 ankyrin repeat containing; minus strand). Cytogenetic location: 7q21.2.
Variant type: single nucleotide variant.
Coding change: c.418C>T on transcript NM_194454.3 (MANE Select); coding-DNA position 418, C replaced by T.
Protein change: p.Arg140Ter; replaces arginine 140 with a stop codon.
Molecular consequence: nonsense. On other transcripts: 5 prime UTR variant (1).
Genome position (GRCh38, 1-based): chr7:92,236,480, G>A on the plus strand (C>T on the coding strand, the complement: KRIT1 is on the minus strand). VCF-style: chr7-92236480-G-A. GRCh37 (hg19) VCF-style: chr7-91865794-G-A.
Other names: c.418C>T, p.Arg140Ter (NM_001350693.1, NM_001350694.1, NM_001350695.1 and 29 more transcripts); c.-166C>T (NM_001350671.1); short protein forms R140*.
Identifiers: ClinVar variation 590743 (VCV000590743.8), dbSNP rs866982998, ClinGen allele CA161911896.

ClinVar aggregate classification (germline): Pathogenic/Likely pathogenic. Review status: criteria provided, multiple submitters, no conflicts (2 of 4 stars). 5 submissions from 5 submitters: Pathogenic (4); Likely pathogenic (1). Last evaluated 2026-09-30.

Conditions:
KRIT1-related disorder. Also called: KRIT1-related disorders; KRIT1-related condition.
Cerebral cavernous malformation (CCM). Also called: Cavernous Hemangioma of Brain; CAVERNOUS ANGIOMA, FAMILIAL; CAVERNOUS ANGIOMATOUS MALFORMATIONS; CEREBRAL CAPILLARY MALFORMATIONS; Cerebral cavernous hemangioma (type); Cerebral cavernous malformations. Identifiers: Orphanet 221061, MedGen C2919945, MONDO:0000820, OMIM 116860, HP:0033522.

Allele frequency attached by ClinVar (database versions not stated): gnomAD exomes below 0.00001.

Submissions (5):

GeneDx
Classification: Pathogenic. Last evaluated: 2026-09-30. Review status: criteria provided, single submitter. Criteria: GeneDx Variant Classification Process June 2021. Collection method: clinical testing. Allele origin: germline.
Comment: Reported in a proband with multiple cerebral cavernous malformations (PMID: 25413039); Nonsense variant predicted to result in protein truncation or nonsense mediated decay in a gene for which loss of function is a known mechanism of disease; Not observed at significant frequency in large population cohorts (gnomAD); This variant is associated with the following publications: (PMID: 33136154, 25413039)

Labcorp Genetics (formerly Invitae), Labcorp
Classification: Pathogenic for Cerebral cavernous malformation. Last evaluated: 2025-10-15. Review status: criteria provided, single submitter. Criteria: Invitae Variant Classification Sherloc (09022015). Collection method: clinical testing. Allele origin: germline.
Comment: This sequence change creates a premature translational stop signal (p.Arg140*) in the KRIT1 gene. It is expected to result in an absent or disrupted protein product. Loss-of-function variants in KRIT1 are known to be pathogenic (PMID: 10508515, 11222804, 12404106, 24689081). This variant is present in population databases (no rsID available, gnomAD 0.003%). This premature translational stop signal has been observed in individual(s) with cerebral cavernous malformation(s) (PMID: 25413039). ClinVar contains an entry for this variant (Variation ID: 590743). Algorithms developed to predict the effect of sequence changes on RNA splicing suggest that this variant may disrupt the consensus splice site. For these reasons, this variant has been classified as Pathogenic.

Blueprint Genetics
Classification: Likely pathogenic for KRIT1-related disorders. Last evaluated: 2024-04-22. Review status: criteria provided, single submitter. Criteria: ACMG Guidelines, 2015. Collection method: clinical testing. Allele origin: germline. Affected: yes. Observed: 2 variant alleles.

Athena Diagnostics
Classification: Pathogenic. Last evaluated: 2022-08-17. Review status: criteria provided, single submitter. Criteria: Athena Diagnostics Criteria. Collection method: clinical testing. Allele origin: unknown.
Comment: This variant is expected to result in the loss of a functional protein. The frequency of this variant in the general population is consistent with pathogenicity. This variant has been identified in at least one individual with clinical features associated with this gene.

PreventionGenetics, part of Exact Sciences
Classification: Pathogenic. Last evaluated: 2016-06-14. Review status: criteria provided, single submitter. Criteria: ACMG Guidelines, 2015. Collection method: clinical testing. Allele origin: germline.

Literature cited by the submitters: PubMed 10508515 (cited by Labcorp Genetics (formerly Invitae), Labcorp); PubMed 11222804 (cited by Labcorp Genetics (formerly Invitae), Labcorp); PubMed 12404106 (cited by Labcorp Genetics (formerly Invitae), Labcorp); PubMed 24689081 (cited by Labcorp Genetics (formerly Invitae), Labcorp); PubMed 25413039 (cited by Labcorp Genetics (formerly Invitae), Labcorp and Athena Diagnostics); PubMed 33136154 (cited by Athena Diagnostics).